The following is an entry in ClinVar:

NM_001614.5(ACTG1):c.790C>T (p.Pro264Ser)

Gene: ACTG1 (actin gamma 1; minus strand). Cytogenetic location: 17q25.3.
Variant type: single nucleotide variant.
Coding change: c.790C>T on transcript NM_001614.5 (MANE Select); coding-DNA position 790, C replaced by T.
Protein change: p.Pro264Ser; replaces proline 264 with serine.
Molecular consequence: missense variant. On other transcripts: non-coding transcript variant (1).
Genome position (GRCh38, 1-based): chr17:81,511,200, G>A on the plus strand (C>T on the coding strand, the complement: ACTG1 is on the minus strand). VCF-style: chr17-81511200-G-A. GRCh37 (hg19) VCF-style: chr17-79478226-G-A.
Other names: c.790C>T, p.Pro264Ser (NM_001199954.3); short protein forms P264S.
Identifiers: ClinVar variation 3363734 (VCV003363734.1).
Genomic context (GRCh38, chr17:81,511,200, plus strand): 5'-GTGTCACCGAGGATGTAAGAGTAGAAACCTTTAGCTCACAACACCTACCCAGGAAGGAAG[G>A]CTGGAACAGCGCCTCCGGACACCGGAACCGCTCATTGCCAATGGTGATGACCTGGCCATC-3'
Protein context (NP_001605.1, residues 254-274): RFRCPEALFQ[Pro264Ser]SFLGMESCGI

ClinVar aggregate classification (germline): Uncertain significance (1 of 4 stars; one submission).

gnomAD v4.1: 3 of 1,613,706 alleles (0.00019%); highest among the groups gnomAD compares: Admixed American, 0.0033%; no homozygotes.

Submission:

GeneDx
Classification: Uncertain significance. Last evaluated: 2023-11-03. Review status: criteria provided, single submitter. Criteria: GeneDx Variant Classification Process June 2021. Collection method: clinical testing. Allele origin: germline. Affected: yes.
Comment: In silico analysis supports that this missense variant has a deleterious effect on protein structure/function; Missense variants in this gene are a common cause of disease and they are underrepresented in the general population; Has not been previously published as pathogenic or benign to our knowledge